The following is an entry in ClinVar:

NM_006734.4(HIVEP2):c.3813T>C (p.Tyr1271=)

Gene: HIVEP2 (HIVEP zinc finger 2; minus strand). Cytogenetic location: 6q24.2.
Variant type: single nucleotide variant.
Coding change: c.3813T>C on transcript NM_006734.4 (MANE Select); coding-DNA position 3813, T replaced by C.
Protein change: p.Tyr1271=; no amino-acid change (tyrosine 1271 retained).
Molecular consequence: synonymous variant.
Genome position (GRCh38, 1-based): chr6:142,770,926, A>G on the plus strand (T>C on the coding strand, the complement: HIVEP2 is on the minus strand). VCF-style: chr6-142770926-A-G. GRCh37 (hg19) VCF-style: chr6-143092063-A-G.
Identifiers: ClinVar variation 785191 (VCV000785191.12), dbSNP rs11963915, ClinGen allele CA4028179.

ClinVar aggregate classification (germline): Benign. Review status: criteria provided, single submitter (1 of 4 stars). 2 submissions from 2 submitters: Benign (1). 1 of the submissions does not count toward it. Last evaluated 2026-02-01.

Conditions:
HIVEP2-related disorder. Also called: HIVEP2-related condition.

Allele frequency attached by ClinVar (database versions not stated): gnomAD exomes 0.00210 and 0.00499; ExAC 0.00602; gnomAD 0.02063 and 0.02198; ESP Exome Variant Server 0.02076; TOPMed 0.02313; 1000 Genomes Project 0.02616; 1000 Genomes Project 30x 0.02686.
gnomAD v4.1: 6,427 of 1,614,174 alleles (0.4%); highest among the groups gnomAD compares: African/African-American, 7.3%; 215 homozygotes.

Submissions (2):

Labcorp Genetics (formerly Invitae), Labcorp
Classification: Benign. Last evaluated: 2026-02-01. Review status: criteria provided, single submitter. Criteria: Invitae Variant Classification Sherloc (09022015). Collection method: clinical testing. Allele origin: germline.

PreventionGenetics, part of Exact Sciences
Classification: Benign for HIVEP2-related condition. Last evaluated: 2019-07-18. Review status: no assertion criteria provided. Collection method: clinical testing. Allele origin: germline. Not counted in ClinVar's aggregate classification.
Comment: This variant is classified as benign based on ACMG/AMP sequence variant interpretation guidelines (Richards et al. 2015 PMID: 25741868, with internal and published modifications).